The following is an entry in ClinVar:

NC_000011.10:g.2847767_2847775dup

Genes: KCNQ1 (potassium voltage-gated channel subfamily Q member 1; plus strand), KCNQ1-AS1 (KCNQ1 antisense RNA 1; minus strand). Cytogenetic location: 11p15.4.
Variant type: Duplication.
Genome position: GRCh38 VCF-style: chr11-2847761-C-CCGCAGGTGA. GRCh37 (hg19) VCF-style: chr11-2868991-C-CCGCAGGTGA.
Other names: c.1795_1803dup (LRG_287t1).
Identifiers: ClinVar variation 456863 (VCV000456863.9), ClinGen allele CA658656097.

ClinVar aggregate classification (germline): Uncertain significance (1 of 4 stars; one submission).

Conditions:
Long QT syndrome (LQTS). Identifiers: MedGen C0023976, MeSH D008133, MONDO:0002442. Disease mechanism: loss of function. Inheritance: Various modes of inheritance.

Submission:

Labcorp Genetics (formerly Invitae), Labcorp
Classification: Uncertain significance for Long QT syndrome. Last evaluated: 2024-10-22. Review status: criteria provided, single submitter. Criteria: Invitae Variant Classification Sherloc (09022015). Collection method: clinical testing. Allele origin: germline.
Comment: This variant, c.1795_1803dup, results in the insertion of 3 amino acid(s) of the KCNQ1 protein (p.Val599_Gln601dup), but otherwise preserves the integrity of the reading frame. This variant is not present in population databases (gnomAD no frequency). This variant has not been reported in the literature in individuals affected with KCNQ1-related conditions. ClinVar contains an entry for this variant (Variation ID: 456863). Experimental studies and prediction algorithms are not available or were not evaluated, and the functional significance of this variant is currently unknown. Algorithms developed to predict the effect of sequence changes on RNA splicing suggest that this variant may disrupt the consensus splice site. In summary, the available evidence is currently insufficient to determine the role of this variant in disease. Therefore, it has been classified as a Variant of Uncertain Significance.